The following is an entry in ClinVar:

ClinVar aggregate classification (germline): Likely benign (1 of 4 stars; one submission).

Allele frequency attached by ClinVar (database versions not stated): gnomAD 0.00648 and 0.00703; TOPMed 0.00714; 1000 Genomes Project 0.00759; 1000 Genomes Project 30x 0.00812.
gnomAD v4.1: 975 of 152,320 alleles (0.64%); highest among the groups gnomAD compares: African/African-American, 2.2%; 11 homozygotes.

Submission:

GeneDx
Classification: Likely benign. Last evaluated: 2018-06-19. Review status: criteria provided, single submitter. Criteria: GeneDx Variant Classification (06012015). Collection method: clinical testing. Allele origin: germline. Affected: yes.
Comment: This variant is considered likely benign or benign based on one or more of the following criteria: it is a conservative change, it occurs at a poorly conserved position in the protein, it is predicted to be benign by multiple in silico algorithms, and/or has population frequency not consistent with disease.

NM_001105206.3(LAMA4):c.2057-210T>C

Gene: LAMA4 (laminin subunit alpha 4; minus strand). Cytogenetic location: 6q21.
Variant type: single nucleotide variant.
Coding change: c.2057-210T>C on transcript NM_001105206.3 (MANE Select); 210 bases into the intron before coding-DNA position 2057, T replaced by C.
Molecular consequence: intron variant.
Genome position (GRCh38, 1-based): chr6:112,150,837, A>G on the plus strand (T>C on the coding strand, the complement: LAMA4 is on the minus strand). VCF-style: chr6-112150837-A-G. GRCh37 (hg19) VCF-style: chr6-112472039-A-G.
Other names: c.2036-210T>C (NM_002290.5, NM_001105207.3).
Identifiers: ClinVar variation 676364 (VCV000676364.1), dbSNP rs116565503, ClinGen allele CA144868998.
Genomic context (GRCh38, chr6:112,150,837, plus strand): 5'-GGAAAGTAGCATTTAAAATTCGAGGTACAGAATTGCAGAACACTTGTAATACTGCTTGTG[A>G]GTGACTTAGGATGCCATCATGGTTACTTTCTTTGATTGAAACATATAGCCCTGCCATGAC-3'